The following is an entry in ClinVar:

NM_004304.5(ALK):c.2740G>C (p.Gly914Arg)

Gene: ALK (ALK receptor tyrosine kinase; minus strand). Cytogenetic location: 2p23.2.
Variant type: single nucleotide variant.
Coding change: c.2740G>C on transcript NM_004304.5 (MANE Select); coding-DNA position 2740, G replaced by C.
Protein change: p.Gly914Arg; replaces glycine 914 with arginine.
Molecular consequence: missense variant.
Genome position (GRCh38, 1-based): chr2:29,228,959, C>G on the plus strand (G>C on the coding strand, the complement: ALK is on the minus strand). VCF-style: chr2-29228959-C-G. GRCh37 (hg19) VCF-style: chr2-29451825-C-G.
Other names: short protein forms G914R.
Identifiers: ClinVar variation 1036585 (VCV001036585.8), dbSNP rs1220052371, ClinGen allele CA346469741.
Genomic context (GRCh38, chr2:29,228,959, plus strand): 5'-CTCCTCCACCTGAGGAGCACCCCCCTCCACCCCCTCCGAAACCCCCTCTTGTCTCCCACC[C>G]CCACTTCTTCATGGCCTGGGGGCAGGAATGTCCTCCGGTGGCACCCTCCTGCAAAGATTT-3'
Protein context (NP_004295.2, residues 904-924): HSCPQAMKKW[Gly914Arg]WETRGGFGGG

ClinVar aggregate classification (germline): Uncertain significance (1 of 4 stars; one submission).

Conditions:
Neuroblastoma, susceptibility to, 3. Also called: ALK-Related Neuroblastic Tumor Susceptibility. Identifiers: Orphanet 635, MedGen C2751681, MONDO:0013083, OMIM 613014.

gnomAD v4.1: 1 of 1,601,826 alleles (0.000062%); highest among the groups gnomAD compares: Non-Finnish European, 0.000086%; no homozygotes.

Submission:

Labcorp Genetics (formerly Invitae), Labcorp
Classification: Uncertain significance for Neuroblastoma, susceptibility to, 3. Last evaluated: 2018-05-10. Review status: criteria provided, single submitter. Criteria: Invitae Variant Classification Sherloc (09022015). Collection method: clinical testing. Allele origin: germline.
Comment: In summary, the available evidence is currently insufficient to determine the role of this variant in disease. Therefore, it has been classified as a Variant of Uncertain Significance. Algorithms developed to predict the effect of missense changes on protein structure and function (SIFT, PolyPhen-2, Align-GVGD) all suggest that this variant is likely to be disruptive, but these predictions have not been confirmed by published functional studies and their clinical significance is uncertain. This variant has not been reported in the literature in individuals with ALK-related disease. This variant is not present in population databases (ExAC no frequency). This sequence change replaces glycine with arginine at codon 914 of the ALK protein (p.Gly914Arg). The glycine residue is highly conserved and there is a moderate physicochemical difference between glycine and arginine.